The following is an entry in ClinVar:

NM_002693.3(POLG):c.2034G>T (p.Glu678Asp)

Gene: POLG (DNA polymerase gamma, catalytic subunit; minus strand). Cytogenetic location: 15q26.1.
Variant type: single nucleotide variant.
Coding change: c.2034G>T on transcript NM_002693.3 (MANE Select); coding-DNA position 2034, G replaced by T.
Protein change: p.Glu678Asp; replaces glutamic acid 678 with aspartic acid.
Molecular consequence: missense variant.
Genome position (GRCh38, 1-based): chr15:89,324,143, C>A on the plus strand (G>T on the coding strand, the complement: POLG is on the minus strand). VCF-style: chr15-89324143-C-A. GRCh37 (hg19) VCF-style: chr15-89867374-C-A.
Other names: p.Glu678Asp; c.2034G>T, p.Glu678Asp (NM_001126131.2); short protein forms E678D.
Identifiers: ClinVar variation 2887182 (VCV002887182.4), dbSNP rs2055438317, ClinGen allele CA393757533.

ClinVar aggregate classification (germline): Uncertain significance. Review status: criteria provided, multiple submitters, no conflicts (2 of 4 stars). 2 submissions from 2 submitters: Uncertain significance (2). Last evaluated 2024-05-13.

Conditions:
Progressive sclerosing poliodystrophy (MTDPS4A). Also called: Mitochondrial DNA depletion syndrome 4A (Alpers type); ALPERS PROGRESSIVE INFANTILE POLIODYSTROPHY; NEURONAL DEGENERATION OF CHILDHOOD WITH LIVER DISEASE, PROGRESSIVE; Alpers Syndrome; ALPERS DIFFUSE DEGENERATION OF CEREBRAL GRAY MATTER WITH HEPATIC CIRRHOSIS; Alpers-Huttenlocher Syndrome. Identifiers: Orphanet 726, MedGen C0205710, MONDO:0008758, OMIM 203700.

Allele frequency attached by ClinVar (database versions not stated): gnomAD exomes below 0.00001; gnomAD 0.00001.

Submissions (2):

Mayo Clinic Laboratories, Mayo Clinic
Classification: Uncertain significance. Last evaluated: 2024-05-13. Review status: criteria provided, single submitter. Criteria: ACMG Guidelines, 2015. Collection method: clinical testing. Allele origin: germline. Observed: 1 variant allele.
Comment: PM2

Labcorp Genetics (formerly Invitae), Labcorp
Classification: Uncertain significance for Progressive sclerosing poliodystrophy. Last evaluated: 2024-04-03. Review status: criteria provided, single submitter. Criteria: Invitae Variant Classification Sherloc (09022015). Collection method: clinical testing. Allele origin: germline.
Comment: This sequence change replaces glutamic acid, which is acidic and polar, with aspartic acid, which is acidic and polar, at codon 678 of the POLG protein (p.Glu678Asp). This variant is not present in population databases (gnomAD no frequency). This variant has not been reported in the literature in individuals affected with POLG-related conditions. Advanced modeling of protein sequence and biophysical properties (such as structural, functional, and spatial information, amino acid conservation, physicochemical variation, residue mobility, and thermodynamic stability) performed at Invitae indicates that this missense variant is not expected to disrupt POLG protein function with a negative predictive value of 95%. In summary, the available evidence is currently insufficient to determine the role of this variant in disease. Therefore, it has been classified as a Variant of Uncertain Significance.